The following is an entry in ClinVar:

NM_000051.4(ATM):c.5265G>A (p.Met1755Ile)

Gene: ATM (ATM serine/threonine kinase; plus strand). Cytogenetic location: 11q22.3.
Variant type: single nucleotide variant.
Coding change: c.5265G>A on transcript NM_000051.4 (MANE Select); coding-DNA position 5265, G replaced by A.
Protein change: p.Met1755Ile; replaces methionine 1755 with isoleucine.
Molecular consequence: missense variant.
Genome position (GRCh38, 1-based): chr11:108,301,735, G>A. VCF-style: chr11-108301735-G-A. GRCh37 (hg19) VCF-style: chr11-108172462-G-A.
Other names: c.5265G>A, p.Met1755Ile (NM_001351834.2); short protein forms M1755I.
Identifiers: ClinVar variation 3647108 (VCV003647108.2).

ClinVar aggregate classification (germline): Uncertain significance (1 of 4 stars; one submission).

Conditions:
Ataxia-telangiectasia syndrome (AT). Also called: ATAXIA-TELANGIECTASIA, COMPLEMENTATION GROUP A; ATAXIA-TELANGIECTASIA, FRESNO VARIANT; LOUIS-BAR SYNDROME; Ataxia-telangiectasia, complementation group D; Ataxia-telangiectasia, complementation group E; Cerebello-oculocutaneous telangiectasia. Identifiers: Orphanet 100, MedGen C0004135, MONDO:0008840, OMIM 208900.

Submission:

Labcorp Genetics (formerly Invitae), Labcorp
Classification: Uncertain significance for Ataxia-telangiectasia syndrome. Last evaluated: 2024-03-21. Review status: criteria provided, single submitter. Criteria: Invitae Variant Classification Sherloc (09022015). Collection method: clinical testing. Allele origin: germline.
Comment: This sequence change replaces methionine, which is neutral and non-polar, with isoleucine, which is neutral and non-polar, at codon 1755 of the ATM protein (p.Met1755Ile). This variant is not present in population databases (gnomAD no frequency). This variant has not been reported in the literature in individuals affected with ATM-related conditions. An algorithm developed to predict the effect of missense changes on protein structure and function (PolyPhen-2) suggests that this variant is likely to be tolerated. Algorithms developed to predict the effect of sequence changes on RNA splicing suggest that this variant may disrupt the consensus splice site. In summary, the available evidence is currently insufficient to determine the role of this variant in disease. Therefore, it has been classified as a Variant of Uncertain Significance.